The following is an entry in ClinVar:

ClinVar aggregate classification (germline): Uncertain significance (1 of 4 stars; one submission).

Conditions:
Severe combined immunodeficiency due to CORO1A deficiency. Also called: IMMUNODEFICIENCY 8 WITH LYMPHOPROLIFERATION; Immunodeficiency 8. Identifiers: Orphanet 228003, MedGen C3809383, MONDO:0014168, OMIM 615401.

Allele frequency attached by ClinVar (database versions not stated): gnomAD exomes below 0.00001; ExAC 0.00001; gnomAD 0.00001; TOPMed 0.00001; ESP Exome Variant Server 0.00008.
gnomAD v4.1: 7 of 1,613,886 alleles (0.00043%); highest among the groups gnomAD compares: African/African-American, 0.0027%; no homozygotes.

Submission:

Labcorp Genetics (formerly Invitae), Labcorp
Classification: Uncertain significance for Severe combined immunodeficiency due to CORO1A deficiency. Last evaluated: 2025-01-20. Review status: criteria provided, single submitter. Criteria: Invitae Variant Classification Sherloc (09022015). Collection method: clinical testing. Allele origin: germline.
Comment: This sequence change replaces alanine, which is neutral and non-polar, with valine, which is neutral and non-polar, at codon 165 of the CORO1A protein (p.Ala165Val). This variant is present in population databases (rs371653086, gnomAD 0.007%). This variant has not been reported in the literature in individuals affected with CORO1A-related conditions. ClinVar contains an entry for this variant (Variation ID: 1905509). Invitae Evidence Modeling of protein sequence and biophysical properties (such as structural, functional, and spatial information, amino acid conservation, physicochemical variation, residue mobility, and thermodynamic stability) indicates that this missense variant is not expected to disrupt CORO1A protein function with a negative predictive value of 80%. In summary, the available evidence is currently insufficient to determine the role of this variant in disease. Therefore, it has been classified as a Variant of Uncertain Significance.

NM_007074.4(CORO1A):c.494C>T (p.Ala165Val)

Gene: CORO1A (coronin 1A; plus strand). Cytogenetic location: 16p11.2.
Variant type: single nucleotide variant.
Coding change: c.494C>T on transcript NM_007074.4 (MANE Select); coding-DNA position 494, C replaced by T.
Protein change: p.Ala165Val; replaces alanine 165 with valine.
Molecular consequence: missense variant.
Genome position (GRCh38, 1-based): chr16:30,187,081, C>T. VCF-style: chr16-30187081-C-T. GRCh37 (hg19) VCF-style: chr16-30198402-C-T.
Other names: c.494C>T, p.Ala165Val (NM_001193333.3); short protein forms A165V.
Identifiers: ClinVar variation 1905509 (VCV001905509.3), dbSNP rs371653086, ClinGen allele CA8003146.